The following is an entry in ClinVar:

NM_147127.5(EVC2):c.1417G>C (p.Glu473Gln)

Genes: EVC2 (EvC ciliary complex subunit 2; minus strand), LOC126806961 (BRD4-independent group 4 enhancer GRCh37_chr4:5641443-5642642; plus strand). Cytogenetic location: 4p16.2.
Variant type: single nucleotide variant.
Coding change: c.1417G>C on transcript NM_147127.5 (MANE Select); coding-DNA position 1417, G replaced by C.
Protein change: p.Glu473Gln; replaces glutamic acid 473 with glutamine.
Molecular consequence: missense variant.
Genome position (GRCh38, 1-based): chr4:5,640,567, C>G on the plus strand (G>C on the coding strand, the complement: EVC2 is on the minus strand). VCF-style: chr4-5640567-C-G. GRCh37 (hg19) VCF-style: chr4-5642294-C-G.
Other names: c.1177G>C, p.Glu393Gln (NM_001166136.2); short protein forms E473Q, E393Q.
Identifiers: ClinVar variation 2937933 (VCV002937933.3), dbSNP rs2475437340, ClinGen allele CA356151385.

ClinVar aggregate classification (germline): Uncertain significance (1 of 4 stars; one submission).

Conditions:
Curry-Hall syndrome (WAD). Also called: WEYERS ACRODENTAL DYSOSTOSIS. Identifiers: Orphanet 952, MedGen C0457013, MONDO:0008673, OMIM 193530.
Ellis-van Creveld syndrome (EVC). Also called: EVC-Related Ellis-van Creveld Syndrome; EVC2-Related Ellis-van Creveld Syndrome; MESOECTODERMAL DYSPLASIA; Chondroectodermal dysplasia. Identifiers: Orphanet 289, MedGen C0013903, MONDO:0009162, OMIM 225500.

Submission:

Labcorp Genetics (formerly Invitae), Labcorp
Classification: Uncertain significance for Curry-Hall syndrome; Ellis-van Creveld syndrome. Last evaluated: 2023-05-22. Review status: criteria provided, single submitter. Criteria: Invitae Variant Classification Sherloc (09022015). Collection method: clinical testing. Allele origin: germline.
Comment: In summary, the available evidence is currently insufficient to determine the role of this variant in disease. Therefore, it has been classified as a Variant of Uncertain Significance. An algorithm developed to predict the effect of missense changes on protein structure and function (PolyPhen-2) suggests that this variant is likely to be disruptive. This variant has not been reported in the literature in individuals affected with EVC2-related conditions. This variant is not present in population databases (gnomAD no frequency). This sequence change replaces glutamic acid, which is acidic and polar, with glutamine, which is neutral and polar, at codon 473 of the EVC2 protein (p.Glu473Gln).